The following is an entry in ClinVar:

NM_006231.4(POLE):c.4603G>A (p.Gly1535Ser)

Gene: POLE (DNA polymerase epsilon, catalytic subunit; minus strand). Cytogenetic location: 12q24.33.
Variant type: single nucleotide variant.
Coding change: c.4603G>A on transcript NM_006231.4 (MANE Select); coding-DNA position 4603, G replaced by A.
Protein change: p.Gly1535Ser; replaces glycine 1535 with serine.
Molecular consequence: missense variant.
Genome position (GRCh38, 1-based): chr12:132,642,945, C>T on the plus strand (G>A on the coding strand, the complement: POLE is on the minus strand). VCF-style: chr12-132642945-C-T. GRCh37 (hg19) VCF-style: chr12-133219531-C-T.
Other names: short protein forms G1535S.
Identifiers: ClinVar variation 240530 (VCV000240530.26), dbSNP rs138564205, ClinGen allele CA6892764.

ClinVar aggregate classification (germline): Conflicting classifications of pathogenicity. Review status: criteria provided, conflicting classifications (1 of 4 stars). 11 submissions from 10 submitters: Uncertain significance (5); Likely benign (3). 3 of the submissions do not count toward it. Last evaluated 2026-01-27.

Conditions:
Intrauterine growth retardation, metaphyseal dysplasia, adrenal hypoplasia congenita, genital anomalies, and immunodeficiency. Also called: IMAGEI SYNDROME. Identifiers: MedGen C5193036, MONDO:0032684, OMIM 618336.
Colorectal cancer, susceptibility to, 12 (CRCS12). Also called: COLORECTAL CANCER, SUSCEPTIBILITY TO, ON CHROMOSOME 12q24. Identifiers: Orphanet 220460, MedGen C3554460, MONDO:0014038, OMIM 615083.
Facial dysmorphism-immunodeficiency-livedo-short stature syndrome. Also called: FILS syndrome; Facial dysmorphism, immunodeficiency, livedo, and short stature. Identifiers: Orphanet 352712, MedGen C3554576, MONDO:0014058, OMIM 615139.
POLE-related disorder. Also called: POLE-related disorders; POLE-related condition.
Hereditary cancer-predisposing syndrome. Also called: Neoplastic Syndromes, Hereditary; Hereditary Cancer Syndrome; Tumor predisposition; Hereditary neoplastic syndrome. Identifiers: Orphanet 140162, MedGen C0027672, MeSH D009386, MONDO:0015356.

Allele frequency attached by ClinVar (database versions not stated): gnomAD exomes 0.00006 and 0.00009; ExAC 0.00007; ESP Exome Variant Server 0.00008; gnomAD 0.00009 and 0.00011; TOPMed 0.00012.
gnomAD v4.1: 106 of 1,611,428 alleles (0.0066%); highest among the groups gnomAD compares: African/African-American, 0.025%; no homozygotes.

Submissions (11):

Labcorp Genetics (formerly Invitae), Labcorp
Classification: Uncertain significance. Last evaluated: 2026-01-27. Review status: criteria provided, single submitter. Criteria: Invitae Variant Classification Sherloc (09022015). Collection method: clinical testing. Allele origin: germline.
Comment: This sequence change replaces glycine, which is neutral and non-polar, with serine, which is neutral and polar, at codon 1535 of the POLE protein (p.Gly1535Ser). This variant is present in population databases (rs138564205, gnomAD 0.03%). This missense change has been observed in individual(s) with gastric cancer (PMID: 34326862). ClinVar contains an entry for this variant (Variation ID: 240530). Invitae Evidence Modeling of protein sequence and biophysical properties (such as structural, functional, and spatial information, amino acid conservation, physicochemical variation, residue mobility, and thermodynamic stability) indicates that this missense variant is not expected to disrupt POLE protein function with a negative predictive value of 80%. In summary, the available evidence is currently insufficient to determine the role of this variant in disease. Therefore, it has been classified as a Variant of Uncertain Significance.

Women's Health and Genetics/Laboratory Corporation of America, LabCorp
Classification: Uncertain significance. Last evaluated: 2025-04-01. Review status: criteria provided, single submitter. Criteria: LabCorp Variant Classification Summary - May 2015. Collection method: clinical testing. Allele origin: germline.
Comment: Variant summary: POLE c.4603G>A (p.Gly1535Ser) results in a non-conservative amino acid change in the encoded protein sequence. Four of five in-silico tools predict a benign effect of the variant on protein function. The variant allele was found at a frequency of 8.9e-05 in 247354 control chromosomes. This frequency is not significantly higher than estimated for a pathogenic variant in POLE causing Facial Dysmorphism, Immunodeficiency, Livedo, And Short Stature (8.9e-05 vs 0.0011), allowing no conclusion about variant significance. c.4603G>A has been reported in the presumed heterozygous state in the literature in individuals affected with various cancers, without strong evidence for causality (example, Mur_2020, Bhai_2021, de Oliveira_2022). These report(s) do not provide unequivocal conclusions about association of the variant with POLE-related conditions. To our knowledge, no experimental evidence demonstrating an impact on protein function has been reported. The following publications have been ascertained in the context of this evaluation (PMID: 32792570, 34326862, 33872653, 35534704). ClinVar contains an entry for this variant (Variation ID: 240530). Based on the evidence outlined above, the variant was classified as uncertain significance.

Blueprint Genetics
Classification: Likely benign. Last evaluated: 2024-09-13. Review status: criteria provided, single submitter. Criteria: ACMG Guidelines, 2015. Collection method: clinical testing. Allele origin: germline.

Fulgent Genetics
Classification: Uncertain significance for Colorectal cancer, susceptibility to, 12; Facial dysmorphism-immunodeficiency-livedo-short stature syndrome; Intrauterine growth retardation, metaphyseal dysplasia, adrenal hypoplasia congenita, genital anomalies, and immunodeficiency. Last evaluated: 2024-04-23. Review status: criteria provided, single submitter. Criteria: ACMG Guidelines, 2015. Collection method: clinical testing. Allele origin: germline.

GeneDx
Classification: Uncertain significance. Last evaluated: 2023-02-28. Review status: criteria provided, single submitter. Criteria: GeneDx Variant Classification Process June 2021. Collection method: clinical testing. Allele origin: germline. Affected: yes.
Comment: In silico analysis supports that this missense variant does not alter protein structure/function; Observed in individuals undergoing multigene panel testing (Mur et al., 2020); This variant is associated with the following publications: (PMID: 32792570)

Ambry Genetics
Classification: Likely benign for Hereditary cancer-predisposing syndrome. Last evaluated: 2022-10-28. Review status: criteria provided, single submitter. Criteria: Ambry Variant Classification Scheme 2023. Collection method: clinical testing. Allele origin: germline.

Sema4
Classification: Likely benign for Hereditary cancer-predisposing syndrome. Last evaluated: 2020-11-06. Review status: criteria provided, single submitter. Criteria: Sema4 Curation Guidelines. Collection method: curation. Allele origin: germline.

Fulgent Genetics
Classification: Uncertain significance for Colorectal cancer, susceptibility to, 12; Facial dysmorphism-immunodeficiency-livedo-short stature syndrome. Last evaluated: 2018-10-31. Review status: criteria provided, single submitter. Criteria: ACMG Guidelines, 2015. Collection method: clinical testing. Allele origin: unknown.

PreventionGenetics, part of Exact Sciences
Classification: Likely benign for POLE-related condition. Last evaluated: 2024-02-08. Review status: no assertion criteria provided. Collection method: clinical testing. Allele origin: germline. Not counted in ClinVar's aggregate classification.
Comment: This variant is classified as likely benign based on ACMG/AMP sequence variant interpretation guidelines (Richards et al. 2015 PMID: 25741868, with internal and published modifications).

Counsyl
Classification: Uncertain significance for Colorectal cancer, susceptibility to, 12. Last evaluated: 2018-04-09. Review status: no assertion criteria provided. Collection method: clinical testing. Allele origin: unknown. Not counted in ClinVar's aggregate classification.

Knight Diagnostic Laboratories, Oregon Health and Sciences University
Classification: Uncertain significance for Colorectal cancer, susceptibility to, 12. Last evaluated: 2016-01-27. Review status: no assertion criteria provided. Criteria: ACMG Guidelines, 2015. Collection method: clinical testing. Allele origin: germline. Affected: no. Study: CSER-NextGen. Not counted in ClinVar's aggregate classification.

Literature cited by the submitters: PubMed 34326862 (cited by Labcorp Genetics (formerly Invitae), Labcorp and Women's Health and Genetics/Laboratory Corporation of America, LabCorp); PubMed 32792570 (cited by Women's Health and Genetics/Laboratory Corporation of America, LabCorp); PubMed 35534704 (cited by Women's Health and Genetics/Laboratory Corporation of America, LabCorp); PubMed 33872653 (cited by Women's Health and Genetics/Laboratory Corporation of America, LabCorp).